The following is an entry in ClinVar:

NM_014915.3(ANKRD26):c.141C>A (p.Leu47=)

Genes: ANKRD26 (ankyrin repeat domain 26; minus strand), LOC130003554 (ATAC-STARR-seq lymphoblastoid silent region 2243; plus strand). Cytogenetic location: 10p12.1.
Variant type: single nucleotide variant.
Coding change: c.141C>A on transcript NM_014915.3 (MANE Select); coding-DNA position 141, C replaced by A.
Protein change: p.Leu47=; no amino-acid change (leucine 47 retained).
Molecular consequence: synonymous variant.
Genome position (GRCh38, 1-based): chr10:27,100,186, G>T on the plus strand (C>A on the coding strand, the complement: ANKRD26 is on the minus strand). VCF-style: chr10-27100186-G-T. GRCh37 (hg19) VCF-style: chr10-27389115-G-T.
Other names: c.141C>A, p.Leu47= (NM_001256053.2).
Identifiers: ClinVar variation 878357 (VCV000878357.13), dbSNP rs373157833, ClinGen allele CA5449048.

ClinVar aggregate classification (germline): Benign/Likely benign. Review status: criteria provided, multiple submitters, no conflicts (2 of 4 stars). 6 submissions from 6 submitters: Benign (3); Likely benign (3). Last evaluated 2026-01-08.

Conditions:
Thrombocytopenia 2 (THC2). Also called: ANKRD26-Related Thrombocytopenia. Identifiers: Orphanet 268322, MedGen C1861185, MONDO:0008555, OMIM 188000.
Inborn genetic diseases. Identifiers: MedGen C0950123, MeSH D030342.

Allele frequency attached by ClinVar (database versions not stated): TOPMed 0.00014; ESP Exome Variant Server 0.00016.
gnomAD v4.1: 487 of 1,613,886 alleles (0.03%); highest among the groups gnomAD compares: Admixed American, 0.05%; no homozygotes.

Submissions (6):

Labcorp Genetics (formerly Invitae), Labcorp
Classification: Benign. Last evaluated: 2026-01-08. Review status: criteria provided, single submitter. Criteria: Invitae Variant Classification Sherloc (09022015). Collection method: clinical testing. Allele origin: germline.

Ambry Genetics
Classification: Likely benign for Inborn genetic diseases. Last evaluated: 2024-11-18. Review status: criteria provided, single submitter. Criteria: Ambry Variant Classification Scheme 2023. Collection method: clinical testing. Allele origin: germline.

Genome-Nilou Lab
Classification: Benign for Thrombocytopenia 2. Last evaluated: 2021-12-05. Review status: criteria provided, single submitter. Criteria: ACMG Guidelines, 2015. Collection method: clinical testing. Allele origin: germline. Affected: no.

Genetic Services Laboratory, University of Chicago
Classification: Likely benign. Last evaluated: 2020-12-17. Review status: criteria provided, single submitter. Criteria: ACMG Guidelines, 2015. Collection method: clinical testing. Allele origin: germline. Affected: no.

Illumina Laboratory Services, Illumina
Classification: Benign for Thrombocytopenia 2. Last evaluated: 2018-01-12. Review status: criteria provided, single submitter. Criteria: ICSL Variant Classification Criteria 13 December 2019. Collection method: clinical testing. Allele origin: germline.
Comment: This variant was observed in the ICSL laboratory as part of a predisposition screen in an ostensibly healthy population. It had not been previously curated by ICSL or reported in the Human Gene Mutation Database (HGMD: prior to June 1st, 2018), and was therefore a candidate for classification through an automated scoring system. Utilizing variant allele frequency, disease prevalence and penetrance estimates, and inheritance mode, an automated score was calculated to assess if this variant is too frequent to cause the disease. Based on the score and internal cut-off values, a variant classified as benign is not then subjected to further curation. The score for this variant resulted in a classification of benign for this disease.

Breakthrough Genomics
Classification: Likely benign. Review status: criteria provided, single submitter. Criteria: ACMG Guidelines, 2015. Collection method: not provided. Allele origin: germline. Inheritance: Autosomal dominant inheritance. Affected: yes.